The following is an entry in ClinVar:

NM_194454.3(KRIT1):c.492A>T (p.Leu164Phe)

Gene: KRIT1 (KRIT1 ankyrin repeat containing; minus strand). Cytogenetic location: 7q21.2.
Variant type: single nucleotide variant.
Coding change: c.492A>T on transcript NM_194454.3 (MANE Select); coding-DNA position 492, A replaced by T.
Protein change: p.Leu164Phe; replaces leucine 164 with phenylalanine.
Molecular consequence: missense variant. On other transcripts: 5 prime UTR variant (1).
Genome position (GRCh38, 1-based): chr7:92,235,640, T>A on the plus strand (A>T on the coding strand, the complement: KRIT1 is on the minus strand). VCF-style: chr7-92235640-T-A. GRCh37 (hg19) VCF-style: chr7-91864954-T-A.
Other names: p.Leu164Phe; c.492A>T, p.Leu164Phe (NM_001013406.2, NM_001350669.1, NM_001350670.1 and 29 more transcripts); c.-92A>T (NM_001350671.1); short protein forms L164F.
Identifiers: ClinVar variation 1342174 (VCV001342174.4), dbSNP rs2131664007, ClinGen allele CA368161596.

ClinVar aggregate classification (germline): Uncertain significance (1 of 4 stars; one submission).

Conditions:
Cerebral cavernous malformation (CCM). Also called: Cavernous Hemangioma of Brain; Cerebral cavernous hemangioma (type); Cerebral cavernous malformations; CAVERNOUS ANGIOMA, FAMILIAL; CAVERNOUS ANGIOMATOUS MALFORMATIONS; CEREBRAL CAPILLARY MALFORMATIONS. Identifiers: Orphanet 221061, MedGen C2919945, MONDO:0000820, OMIM 116860, HP:0033522.

Allele frequency attached by ClinVar (database versions not stated): gnomAD exomes below 0.00001.
gnomAD v4.1: 2 of 1,613,782 alleles (0.00012%); highest among the groups gnomAD compares: South Asian, 0.0022%; no homozygotes.

Submission:

Foundation for Research in Genetics and Endocrinology, FRIGE's Institute of Human Genetics
Classification: Uncertain significance for Cerebral cavernous malformation. Last evaluated: 2021-09-04. Review status: criteria provided, single submitter. Criteria: ACMG Guidelines, 2015. Collection method: clinical testing. Allele origin: germline. Inheritance: Autosomal dominant inheritance. Affected: yes. Observed: 1 heterozygote.
Comment: A heterozygous missense variation in exon 9 of the KRIT1 gene that results in the amino acid substitution of Phenylalanine for Leucine at codon 164 was detected. The observed variant c.492A>T (p.Leu164Phe) has not been reported in the 1000 genomes and gnomAD. The in silico prediction of the variant are possibly damaging by PolyPhen-2 (HumDiv) and damaging by LRT and MutationTaster2. The reference codon is conserved across species. In summary, the variant meets our criteria to be classified as a variant of uncertain significance.